The following is an entry in ClinVar:

NM_007144.3(PCGF2):c.1021C>T (p.Pro341Ser)

Genes: CISD3 (CDGSH iron sulfur domain 3; plus strand), PCGF2 (polycomb group ring finger 2; minus strand). Cytogenetic location: 17q12.
Variant type: single nucleotide variant.
Coding change: c.1021C>T on transcript NM_007144.3 (MANE Select); coding-DNA position 1021, C replaced by T.
Protein change: p.Pro341Ser; replaces proline 341 with serine.
Molecular consequence: missense variant. On other transcripts: 3 prime UTR variant (1).
Genome position (GRCh38, 1-based): chr17:38,735,237, G>A on the plus strand (C>T on the coding strand, the complement: PCGF2 is on the minus strand). VCF-style: chr17-38735237-G-A. GRCh37 (hg19) VCF-style: chr17-36891490-G-A.
Other names: c.*1782G>A (NM_001136498.2); c.1021C>T, p.Pro341Ser (NM_001369614.1, NM_001369615.1); short protein forms P341S.
Identifiers: ClinVar variation 3718954 (VCV003718954.2).

ClinVar aggregate classification (germline): Uncertain significance (1 of 4 stars; one submission).

gnomAD v4.1: 30 of 1,441,154 alleles (0.0021%); highest among the groups gnomAD compares: Non-Finnish European, 0.0027%; no homozygotes.

Submission:

Labcorp Genetics (formerly Invitae), Labcorp
Classification: Uncertain significance. Last evaluated: 2025-06-02. Review status: criteria provided, single submitter. Criteria: Invitae Variant Classification Sherloc (09022015). Collection method: clinical testing. Allele origin: germline.
Comment: This sequence change replaces proline, which is neutral and non-polar, with serine, which is neutral and polar, at codon 341 of the PCGF2 protein (p.Pro341Ser). This variant is not present in population databases (gnomAD no frequency). This variant has not been reported in the literature in individuals affected with PCGF2-related conditions. ClinVar contains an entry for this variant (Variation ID: 3718954). An algorithm developed to predict the effect of missense changes on protein structure and function outputs the following: PolyPhen-2: "Benign". The serine amino acid residue is found in multiple mammalian species, which suggests that this missense change does not adversely affect protein function. In summary, the available evidence is currently insufficient to determine the role of this variant in disease. Therefore, it has been classified as a Variant of Uncertain Significance.